The following is an entry in ClinVar:

ClinVar aggregate classification (germline): Pathogenic (1 of 4 stars; one submission).

Conditions:
Polycystic kidney disease 4 (PKD4). Also called: PKD3; Autosomal Recessive Polycystic Kidney Disease – PKHD1; POLYCYSTIC KIDNEY AND HEPATIC DISEASE 1; POLYCYSTIC KIDNEY DISEASE, INFANTILE, TYPE I; POLYCYSTIC KIDNEY DISEASE 4 WITH OR WITHOUT POLYCYSTIC LIVER DISEASE. Identifiers: MedGen C4540575, MONDO:0033004, OMIM 263200.

Submission:

Myriad Genetics, Inc.
Classification: Pathogenic for Polycystic kidney disease 4. Last evaluated: 2026-05-14. Review status: criteria provided, single submitter. Criteria: Myriad Autosomal Dominant, Autosomal Recessive and X-Linked Classification Criteria (2023). Collection method: clinical testing. Allele origin: unknown.
Comment: NM_138694.3(PKHD1):c.11211T>G(Y3737*) is expected to be pathogenic in the context of autosomal recessive polycystic kidney disease, PKHD1-related. This variant is predicted to lead to an abnormal or absent protein product due to the creation of a premature termination codon in PKHD1, a gene where loss-of-function variants are known to be pathogenic. Please note: this variant was assessed in the context of healthy population screening.

NM_138694.4(PKHD1):c.11211T>G (p.Tyr3737Ter)

Gene: PKHD1 (PKHD1 ciliary IPT domain containing fibrocystin/polyductin; minus strand). Cytogenetic location: 6p12.3.
Variant type: single nucleotide variant.
Coding change: c.11211T>G on transcript NM_138694.4 (MANE Select); coding-DNA position 11211, T replaced by G.
Protein change: p.Tyr3737Ter; replaces tyrosine 3737 with a stop codon.
Molecular consequence: nonsense.
Genome position (GRCh38, 1-based): chr6:51,649,184, A>C on the plus strand (T>G on the coding strand, the complement: PKHD1 is on the minus strand). VCF-style: chr6-51649184-A-C. GRCh37 (hg19) VCF-style: chr6-51513982-A-C.
Other names: short protein forms Y3737*.
Identifiers: ClinVar variation 5015910 (VCV005015910.1).